The following is an entry in ClinVar:

NM_025074.7(FRAS1):c.3078C>T (p.Leu1026=)

Gene: FRAS1 (Fraser extracellular matrix complex subunit 1; plus strand). Cytogenetic location: 4q21.21.
Variant type: single nucleotide variant.
Coding change: c.3078C>T on transcript NM_025074.7 (MANE Select); coding-DNA position 3078, C replaced by T.
Protein change: p.Leu1026=; no amino-acid change (leucine 1026 retained).
Molecular consequence: synonymous variant.
Genome position (GRCh38, 1-based): chr4:78,374,178, C>T. VCF-style: chr4-78374178-C-T. GRCh37 (hg19) VCF-style: chr4-79295332-C-T.
Other names: c.3078C>T, p.Leu1026= (NM_001166133.2).
Identifiers: ClinVar variation 734411 (VCV000734411.11), dbSNP rs778139152, ClinGen allele CA2976822.

ClinVar aggregate classification (germline): Likely benign. Review status: criteria provided, multiple submitters, no conflicts (2 of 4 stars). 3 submissions from 3 submitters: Likely benign (2). 1 of the submissions does not count toward it. Last evaluated 2026-08-01.

Conditions:
FRAS1-related disorder. Also called: FRAS1-related condition.

Allele frequency attached by ClinVar (database versions not stated): gnomAD exomes 0.00004 and 0.00015; gnomAD 0.00005 and 0.00006; TOPMed 0.00006; ExAC 0.00008.
gnomAD v4.1: 63 of 1,606,958 alleles (0.0039%); highest among the groups gnomAD compares: Admixed American, 0.072%; no homozygotes.

Submissions (3):

CeGaT Center for Human Genetics Tuebingen
Classification: Likely benign. Last evaluated: 2026-08-01. Review status: criteria provided, single submitter. Criteria: CeGaT Center For Human Genetics Tuebingen Variant Classification Criteria Version 2. Collection method: clinical testing. Allele origin: germline. Affected: yes. Observed: 1 variant allele.
Comment: FRAS1: BP4, BP7

Labcorp Genetics (formerly Invitae), Labcorp
Classification: Likely benign. Last evaluated: 2026-01-25. Review status: criteria provided, single submitter. Criteria: Invitae Variant Classification Sherloc (09022015). Collection method: clinical testing. Allele origin: germline.

PreventionGenetics, part of Exact Sciences
Classification: Likely benign for FRAS1-related condition. Last evaluated: 2022-08-16. Review status: no assertion criteria provided. Collection method: clinical testing. Allele origin: germline. Not counted in ClinVar's aggregate classification.
Comment: This variant is classified as likely benign based on ACMG/AMP sequence variant interpretation guidelines (Richards et al. 2015 PMID: 25741868, with internal and published modifications).